The following is an entry in ClinVar:

ClinVar aggregate classification (germline): Uncertain significance. Review status: criteria provided, multiple submitters, no conflicts (2 of 4 stars). 2 submissions from 2 submitters: Uncertain significance (2). Last evaluated 2025-02-26.

Conditions:
Cardiovascular phenotype. Identifiers: MedGen CN230736.
Hypertrophic cardiomyopathy. Also called: HYPERTROPHIC MYOCARDIOPATHY. Identifiers: Orphanet 217569, MedGen C0007194, MeSH D002312, MONDO:0005045, HP:0001639.

Submissions (2):

Labcorp Genetics (formerly Invitae), Labcorp
Classification: Uncertain significance for Hypertrophic cardiomyopathy. Last evaluated: 2025-02-26. Review status: criteria provided, single submitter. Criteria: Invitae Variant Classification Sherloc (09022015). Collection method: clinical testing. Allele origin: germline.
Comment: This sequence change replaces lysine, which is basic and polar, with glutamine, which is neutral and polar, at codon 876 of the MYH7 protein (p.Lys876Gln). This variant is not present in population databases (gnomAD no frequency). This variant has not been reported in the literature in individuals affected with MYH7-related conditions. ClinVar contains an entry for this variant (Variation ID: 1395985). Invitae Evidence Modeling of protein sequence and biophysical properties (such as structural, functional, and spatial information, amino acid conservation, physicochemical variation, residue mobility, and thermodynamic stability) indicates that this missense variant is expected to disrupt MYH7 protein function with a positive predictive value of 95%. In summary, the available evidence is currently insufficient to determine the role of this variant in disease. Therefore, it has been classified as a Variant of Uncertain Significance.

Ambry Genetics
Classification: Uncertain significance for Cardiovascular phenotype. Last evaluated: 2024-12-02. Review status: criteria provided, single submitter. Criteria: Ambry Variant Classification Scheme 2023. Collection method: clinical testing. Allele origin: germline.
Comment: The p.K876Q variant (also known as c.2626A>C), located in coding exon 20 of the MYH7 gene, results from an A to C substitution at nucleotide position 2626. The lysine at codon 876 is replaced by glutamine, an amino acid with similar properties. This amino acid position is highly conserved in available vertebrate species. In addition, the in silico prediction for this alteration is inconclusive. Based on the available evidence, the clinical significance of this variant remains unclear.

NM_000257.4(MYH7):c.2626A>C (p.Lys876Gln)

Genes: MYH7 (myosin heavy chain 7; minus strand), LOC126861898 (BRD4-independent group 4 enhancer GRCh37_chr14:23893609-23894808; plus strand). Cytogenetic location: 14q11.2.
Variant type: single nucleotide variant.
Coding change: c.2626A>C on transcript NM_000257.4 (MANE Select); coding-DNA position 2626, A replaced by C.
Protein change: p.Lys876Gln; replaces lysine 876 with glutamine.
Molecular consequence: missense variant.
Genome position (GRCh38, 1-based): chr14:23,424,822, T>G on the plus strand (A>C on the coding strand, the complement: MYH7 is on the minus strand). VCF-style: chr14-23424822-T-G. GRCh37 (hg19) VCF-style: chr14-23894031-T-G.
Other names: short protein forms K876Q.
Identifiers: ClinVar variation 1395985 (VCV001395985.9), dbSNP rs2138665540, ClinGen allele CA389047960.